The following is an entry in ClinVar:

NM_015215.4(CAMTA1):c.2090C>T (p.Ala697Val)

Gene: CAMTA1 (calmodulin binding transcription activator 1; plus strand). Cytogenetic location: 1p36.23.
Variant type: single nucleotide variant.
Coding change: c.2090C>T on transcript NM_015215.4 (MANE Select); coding-DNA position 2090, C replaced by T.
Protein change: p.Ala697Val; replaces alanine 697 with valine.
Molecular consequence: missense variant.
Genome position (GRCh38, 1-based): chr1:7,664,637, C>T. VCF-style: chr1-7664637-C-T. GRCh37 (hg19) VCF-style: chr1-7724697-C-T.
Other names: c.2000C>T, p.Ala667Val (NM_001349608.2, NM_001349612.2); c.2090C>T, p.Ala697Val (NM_001349609.2, NM_001349610.2); short protein forms A697V, A667V.
Identifiers: ClinVar variation 712671 (VCV000712671.38), dbSNP rs111266786, ClinGen allele CA566562.

ClinVar aggregate classification (germline): Benign/Likely benign. Review status: criteria provided, multiple submitters, no conflicts (2 of 4 stars). 6 submissions from 6 submitters: Benign (2); Likely benign (2). 2 of the submissions do not count toward it. Last evaluated 2026-08-01.

Allele frequency attached by ClinVar (database versions not stated): gnomAD exomes 0.00097; ExAC 0.00108; gnomAD 0.00288 and 0.00306; ESP Exome Variant Server 0.00300; 1000 Genomes Project 30x 0.00312; 1000 Genomes Project 0.00319; TOPMed 0.00327.
gnomAD v4.1: 1,104 of 1,607,368 alleles (0.069%); highest among the groups gnomAD compares: African/African-American, 0.98%; 5 homozygotes.

Submissions (7):

CeGaT Center for Human Genetics Tuebingen
Classification: Likely benign. Last evaluated: 2026-08-01. Review status: criteria provided, single submitter. Criteria: CeGaT Center For Human Genetics Tuebingen Variant Classification Criteria Version 2. Collection method: clinical testing. Allele origin: germline. Affected: yes. Observed: 2 variant alleles.
Comment: CAMTA1: BP4, BS1

Labcorp Genetics (formerly Invitae), Labcorp
Classification: Benign. Last evaluated: 2025-12-17. Review status: criteria provided, single submitter. Criteria: Invitae Variant Classification Sherloc (09022015). Collection method: clinical testing. Allele origin: germline.

Blueprint Genetics
Classification: Likely benign. Last evaluated: 2024-11-14. Review status: criteria provided, single submitter. Criteria: ACMG Guidelines, 2015. Collection method: clinical testing. Allele origin: germline.

Breakthrough Genomics
Classification: Benign. Review status: criteria provided, single submitter. Criteria: ACMG Guidelines, 2015. Collection method: not provided. Allele origin: germline. Inheritance: Autosomal dominant inheritance. Affected: yes.

Clinical Genetics DNA and cytogenetics Diagnostics Lab, Erasmus MC, Erasmus Medical Center
Classification: Likely benign. Review status: no assertion criteria provided. Collection method: clinical testing. Allele origin: germline. Affected: yes. Study: VKGL Data-share Consensus. Not counted in ClinVar's aggregate classification.

Diagnostic Laboratory, Department of Genetics, University Medical Center Groningen
Classification: Likely benign. Review status: no assertion criteria provided. Collection method: clinical testing. Allele origin: germline. Affected: yes. Study: VKGL Data-share Consensus. Not counted in ClinVar's aggregate classification.

Dr. Peter K. Rogan Lab, Western University
No classification provided (evidence only). Condition: Lung cancer. Review status: no classification provided. Collection method: in vitro. Allele origin: not applicable. Functional consequence: retained intron. Not counted in ClinVar's aggregate classification.